The following is an entry in ClinVar:

ClinVar aggregate classification (germline): Uncertain significance (1 of 4 stars; one submission).

Submission:

Ambry Genetics
Classification: Uncertain significance. Last evaluated: 2025-08-03. Review status: criteria provided, single submitter. Criteria: Ambry Variant Classification Scheme 2023. Collection method: clinical testing. Allele origin: germline.
Comment: The p.P432L variant (also known as c.1295C>T), located in coding exon 12 of the A2ML1 gene, results from a C to T substitution at nucleotide position 1295. The proline at codon 432 is replaced by leucine, an amino acid with similar properties. This amino acid position is conserved. In addition, this alteration is predicted to be tolerated by in silico analysis. Based on the available evidence, the clinical significance of this variant remains unclear.

NM_144670.6(A2ML1):c.1295C>T (p.Pro432Leu)

Gene: A2ML1 (alpha-2-macroglobulin like 1; plus strand). Cytogenetic location: 12p13.31.
Variant type: single nucleotide variant.
Coding change: c.1295C>T on transcript NM_144670.6 (MANE Select); coding-DNA position 1295, C replaced by T.
Protein change: p.Pro432Leu; replaces proline 432 with leucine.
Molecular consequence: missense variant.
Genome position (GRCh38, 1-based): chr12:8,843,180, C>T. VCF-style: chr12-8843180-C-T. GRCh37 (hg19) VCF-style: chr12-8995776-C-T.
Other names: short protein forms P432L.
Identifiers: ClinVar variation 4258242 (VCV004258242.1).